The following is an entry in ClinVar:

ClinVar aggregate classification (germline): Likely benign. Review status: criteria provided, multiple submitters, no conflicts (2 of 4 stars). 2 submissions from 2 submitters: Likely benign (2). Last evaluated 2018-06-14.

Allele frequency attached by ClinVar (database versions not stated): gnomAD 0.00562; 1000 Genomes Project 0.00399.

Submissions (2):

GeneDx
Classification: Likely benign. Last evaluated: 2018-06-14. Review status: criteria provided, single submitter. Criteria: GeneDx Variant Classification (06012015). Collection method: clinical testing. Allele origin: germline. Affected: yes.
Comment: This variant is considered likely benign or benign based on one or more of the following criteria: it is a conservative change, it occurs at a poorly conserved position in the protein, it is predicted to be benign by multiple in silico algorithms, and/or has population frequency not consistent with disease.

Breakthrough Genomics
Classification: Likely benign. Review status: criteria provided, single submitter. Criteria: ACMG Guidelines, 2015. Collection method: not provided. Allele origin: germline. Inheritance: Autosomal recessive inheritance. Affected: yes.

NM_000071.3(CBS):c.1146-110C>A

Gene: CBS (cystathionine beta-synthase; minus strand). Cytogenetic location: 21q22.3.
Variant type: single nucleotide variant.
Coding change: c.1146-110C>A on transcript NM_000071.3 (MANE Select); 110 bases into the intron before coding-DNA position 1146, C replaced by A.
Molecular consequence: intron variant.
Genome position (GRCh38, 1-based): chr21:43,059,413, G>T on the plus strand (C>A on the coding strand, the complement: CBS is on the minus strand). VCF-style: chr21-43059413-G-T. GRCh37 (hg19) VCF-style: chr21-44479523-G-T.
Other names: c.1146-110C>A (NM_001320298.2, NM_001178009.3, NM_001178008.3); c.831-110C>A (NM_001321072.1).
Identifiers: ClinVar variation 675827 (VCV000675827.2), dbSNP rs138222805, ClinGen allele CA321688778.